The following is an entry in ClinVar:

ClinVar aggregate classification (germline): Uncertain significance. Review status: criteria provided, multiple submitters, no conflicts (2 of 4 stars). 3 submissions from 3 submitters: Uncertain significance (3). Last evaluated 2025-08-27.

Conditions:
Inborn genetic diseases. Identifiers: MedGen C0950123, MeSH D030342.

Allele frequency attached by ClinVar (database versions not stated): ESP Exome Variant Server 0.00008; gnomAD 0.00008; ExAC 0.00009; gnomAD exomes 0.00009 and 0.00029; TOPMed 0.00011; 1000 Genomes Project 30x 0.00016; 1000 Genomes Project 0.00020.
gnomAD v4.1: 423 of 1,614,164 alleles (0.026%); highest among the groups gnomAD compares: Non-Finnish European, 0.034%; no homozygotes.

Submissions (3):

Ambry Genetics
Classification: Uncertain significance for Inborn genetic diseases. Last evaluated: 2025-08-27. Review status: criteria provided, single submitter. Criteria: Ambry Variant Classification Scheme 2023. Collection method: clinical testing. Allele origin: germline.

Labcorp Genetics (formerly Invitae), Labcorp
Classification: Uncertain significance. Last evaluated: 2022-08-15. Review status: criteria provided, single submitter. Criteria: Invitae Variant Classification Sherloc (09022015). Collection method: clinical testing. Allele origin: germline.
Comment: This sequence change replaces arginine, which is basic and polar, with cysteine, which is neutral and slightly polar, at codon 63 of the PROSC protein (p.Arg63Cys). This variant is present in population databases (rs200513367, gnomAD 0.02%). This variant has not been reported in the literature in individuals affected with PROSC-related conditions. ClinVar contains an entry for this variant (Variation ID: 1313241). Algorithms developed to predict the effect of missense changes on protein structure and function (SIFT, PolyPhen-2, Align-GVGD) all suggest that this variant is likely to be disruptive. In summary, the available evidence is currently insufficient to determine the role of this variant in disease. Therefore, it has been classified as a Variant of Uncertain Significance.

GeneDx
Classification: Uncertain significance. Last evaluated: 2020-10-27. Review status: criteria provided, single submitter. Criteria: GeneDx Variant Classification Process June 2021. Collection method: clinical testing. Allele origin: germline. Affected: yes.
Comment: In silico analysis supports that this missense variant has a deleterious effect on protein structure/function; Has not been previously published as pathogenic or benign to our knowledge

NM_007198.4(PLPBP):c.187C>T (p.Arg63Cys)

Gene: PLPBP (pyridoxal phosphate binding protein; plus strand). Cytogenetic location: 8p11.23.
Variant type: single nucleotide variant.
Coding change: c.187C>T on transcript NM_007198.4 (MANE Select); coding-DNA position 187, C replaced by T.
Protein change: p.Arg63Cys; replaces arginine 63 with cysteine.
Molecular consequence: missense variant.
Genome position (GRCh38, 1-based): chr8:37,765,613, C>T. VCF-style: chr8-37765613-C-T. GRCh37 (hg19) VCF-style: chr8-37623131-C-T.
Other names: c.187C>T, p.Arg63Cys (NM_001349346.2, NM_001349347.2); c.31C>T, p.Arg11Cys (NM_001349348.2); c.292C>T, p.Arg98Cys (NM_001349349.1); short protein forms R11C, R63C, R98C.
Identifiers: ClinVar variation 1313241 (VCV001313241.5), dbSNP rs200513367, ClinGen allele CA4711149.